The following is an entry in ClinVar:

ClinVar aggregate classification (germline): Uncertain significance (1 of 4 stars; one submission).

Submission:

Labcorp Genetics (formerly Invitae), Labcorp
Classification: Uncertain significance. Last evaluated: 2023-11-27. Review status: criteria provided, single submitter. Criteria: Invitae Variant Classification Sherloc (09022015). Collection method: clinical testing. Allele origin: unknown.
Comment: A copy number gain of the genomic region encompassing the full coding sequence of the NDUFB11 gene has been identified. The boundaries of this event are unknown as they extend beyond the assayed region for this gene and therefore may encompass additional genes. As the precise location of this event is unknown, it may be in tandem or it may be located elsewhere in the genome. This variant has not been reported in the literature in individuals affected with NDUFB11-related conditions. A similar copy number variant has been observed in at least one individual who was not affected with NDUFB11-related conditions (Invitae). In summary, the available evidence is currently insufficient to determine the role of this variant in disease. Therefore, it has been classified as a Variant of Uncertain Significance.

NC_000023.10:g.(?_47001716)_(47006917_?)dup

Genes: NDUFB11 (NADH:ubiquinone oxidoreductase subunit B11; minus strand), RBM10 (RNA binding motif protein 10; plus strand). Cytogenetic location: Xp11.23.
Variant type: Duplication.
Identifiers: ClinVar variation 3246829 (VCV003246829.1).